The following is an entry in ClinVar:

NM_000138.5(FBN1):c.2241del (p.Lys747fs)

Gene: FBN1 (fibrillin 1; minus strand). Cytogenetic location: 15q21.1.
Variant type: Deletion.
Coding change: c.2241del on transcript NM_000138.5 (MANE Select); coding-DNA position 2241, one base deleted (A; older notation c.2241delA).
Protein change: p.Lys747fs; shifts the reading frame from lysine 747.
Molecular consequence: frameshift variant.
Genome position (GRCh38, 1-based): chr15:48,497,318, T deleted on the plus strand (A on the coding strand, the reverse complement: FBN1 is on the minus strand); the first of 3 consecutive T bases (chr15:48,497,318-48,497,320); deleting any one gives the same sequence. VCF-style (leftmost placement, unchanged base first): chr15-48497317-AT-A. GRCh37 (hg19) VCF-style: chr15-48789514-AT-A.
Other names: c.2239delA, p.Lys747Asnfs (NM_000138.4); c.2241del, p.Lys747fs (NM_001406716.1); short protein forms K747fs.
Identifiers: ClinVar variation 3895345 (VCV003895345.1).
Genomic context (GRCh38, chr15:48,497,317, plus strand): 5'-ACTTCTCACCAACGCAGTTTTTCCCAGTTGAATCCACTTCATATCCTGAATTGCATATAC[AT>A]TTATAGGTCCCACGAAGGTTTTCACAGATTCCATTTGGGCAAATATCAGGATCTAGTGCA-3'

ClinVar aggregate classification (germline): Likely pathogenic (1 of 4 stars; one submission).

Conditions:
Cardiovascular phenotype. Identifiers: MedGen CN230736.

Submission:

Molecular Diagnostic Laboratory for Inherited Cardiovascular Disease, Montreal Heart Institute
Classification: Likely pathogenic for Cardiovascular phenotype. Last evaluated: 2024-07-24. Review status: criteria provided, single submitter. Criteria: ACMG Guidelines, 2015. Collection method: clinical testing. Allele origin: germline. Affected: yes.
Comment: PVS1, PM2